The following is an entry in ClinVar:

ClinVar aggregate classification (germline): Likely benign (0 of 4 stars; one submission).

Conditions:
TMEM132D-related disorder. Also called: TMEM132D-related condition.

Allele frequency attached by ClinVar (database versions not stated): ExAC 0.00001; gnomAD exomes 0.00001; gnomAD 0.00002; TOPMed 0.00006; ESP Exome Variant Server 0.00008.
gnomAD v4.1: 17 of 1,613,830 alleles (0.0011%); highest among the groups gnomAD compares: Middle Eastern, 0.016%; 1 homozygote.

Submission:

PreventionGenetics, part of Exact Sciences
Classification: Likely benign for TMEM132D-related condition. Last evaluated: 2019-03-08. Review status: no assertion criteria provided. Collection method: clinical testing. Allele origin: germline.
Comment: This variant is classified as likely benign based on ACMG/AMP sequence variant interpretation guidelines (Richards et al. 2015 PMID: 25741868, with internal and published modifications).

NM_133448.3(TMEM132D):c.2385T>C (p.Val795=)

Gene: TMEM132D (transmembrane protein 132D; minus strand). Cytogenetic location: 12q24.33.
Variant type: single nucleotide variant.
Coding change: c.2385T>C on transcript NM_133448.3 (MANE Select); coding-DNA position 2385, T replaced by C.
Protein change: p.Val795=; no amino-acid change (valine 795 retained).
Molecular consequence: synonymous variant.
Genome position (GRCh38, 1-based): chr12:129,074,790, A>G on the plus strand (T>C on the coding strand, the complement: TMEM132D is on the minus strand). VCF-style: chr12-129074790-A-G. GRCh37 (hg19) VCF-style: chr12-129559335-A-G.
Identifiers: ClinVar variation 3058382 (VCV003058382.2), dbSNP rs372639691, ClinGen allele CA6875806.